The following is an entry in ClinVar:

NM_004821.3(HAND1):c.272G>C (p.Arg91Pro)

Gene: HAND1 (heart and neural crest derivatives expressed 1; minus strand). Cytogenetic location: 5q33.2.
Variant type: single nucleotide variant.
Coding change: c.272G>C on transcript NM_004821.3 (MANE Select); coding-DNA position 272, G replaced by C.
Protein change: p.Arg91Pro; replaces arginine 91 with proline.
Molecular consequence: missense variant.
Genome position (GRCh38, 1-based): chr5:154,477,737, C>G on the plus strand (G>C on the coding strand, the complement: HAND1 is on the minus strand). VCF-style: chr5-154477737-C-G. GRCh37 (hg19) VCF-style: chr5-153857297-C-G.
Other names: short protein forms R91P.
Identifiers: ClinVar variation 4699809 (VCV004699809.1).
Genomic context (GRCh38, chr5:154,477,737, plus strand): 5'-TTAATGCTCTCAGTGCGTCTCCGCTCCTTCTTGGGTCCTGAGCCTTTCCGCCGGCCAAGA[C>G]GGCCGCCAAGCGCCTCCAGCCGCCCGGGGCTCTGCCCAGGCCTGGCGTCAGGACCATAGG-3'
Protein context (NP_004812.1, residues 81-101): SPGRLEALGG[Arg91Pro]LGRRKGSGPK

ClinVar aggregate classification (germline): Uncertain significance (1 of 4 stars; one submission).

Conditions:
Hypoplastic left heart syndrome. Also called: Hypoplastic left heart; Hypoplastic left ventricle. Identifiers: Orphanet 2248, MedGen C0152101, MONDO:0004933, HP:0004383.

Submission:

Labcorp Genetics (formerly Invitae), Labcorp
Classification: Uncertain significance for Hypoplastic left heart syndrome. Last evaluated: 2025-05-18. Review status: criteria provided, single submitter. Criteria: Invitae Variant Classification Sherloc (09022015). Collection method: clinical testing. Allele origin: germline.
Comment: This sequence change replaces arginine, which is basic and polar, with proline, which is neutral and non-polar, at codon 91 of the HAND1 protein (p.Arg91Pro). This variant is not present in population databases (gnomAD no frequency). This variant has not been reported in the literature in individuals affected with HAND1-related conditions. An algorithm developed to predict the effect of missense changes on protein structure and function (PolyPhen-2) suggests that this variant is likely to be disruptive. In summary, the available evidence is currently insufficient to determine the role of this variant in disease. Therefore, it has been classified as a Variant of Uncertain Significance.